The following is an entry in ClinVar:

ClinVar aggregate classification (germline): Pathogenic (1 of 4 stars; one submission).

Submission:

GeneDx
Classification: Pathogenic. Last evaluated: 2025-05-05. Review status: criteria provided, single submitter. Criteria: GeneDx Variant Classification Process June 2021. Collection method: clinical testing. Allele origin: germline. Affected: yes.
Comment: Frameshift variant predicted to result in protein truncation or nonsense mediated decay in a gene for which loss of function is a known mechanism of disease; Not observed at significant frequency in large population cohorts (gnomAD); Has not been previously published as pathogenic or benign to our knowledge

NM_005618.4(DLL1):c.150del (p.Pro51fs)

Gene: DLL1 (delta like canonical Notch ligand 1; minus strand). Cytogenetic location: 6q27.
Variant type: Deletion.
Coding change: c.150del on transcript NM_005618.4 (MANE Select); coding-DNA position 150, one base deleted (G; older notation c.150delG).
Protein change: p.Pro51fs; shifts the reading frame from proline 51.
Molecular consequence: frameshift variant.
Genome position (GRCh38, 1-based): chr6:170,289,713, C deleted on the plus strand (G on the coding strand, the reverse complement: DLL1 is on the minus strand); the first of 4 consecutive C bases (chr6:170,289,713-170,289,716); deleting any one gives the same sequence. VCF-style (leftmost placement, unchanged base first): chr6-170289712-GC-G. GRCh37 (hg19) VCF-style: chr6-170598800-GC-G.
Other names: short protein forms P51fs.
Identifiers: ClinVar variation 4526959 (VCV004526959.1).